The following is an entry in ClinVar:

ClinVar aggregate classification (germline): Uncertain significance (1 of 4 stars; one submission).

Allele frequency attached by ClinVar (database versions not stated): gnomAD exomes below 0.00001; ExAC 0.00001.

Submission:

Labcorp Genetics (formerly Invitae), Labcorp
Classification: Uncertain significance. Last evaluated: 2022-09-07. Review status: criteria provided, single submitter. Criteria: Invitae Variant Classification Sherloc (09022015). Collection method: clinical testing. Allele origin: germline.
Comment: This sequence change replaces valine, which is neutral and non-polar, with methionine, which is neutral and non-polar, at codon 153 of the MYO18B protein (p.Val153Met). This variant is present in population databases (rs571744755, gnomAD 0.003%). This variant has not been reported in the literature in individuals affected with MYO18B-related conditions. Algorithms developed to predict the effect of missense changes on protein structure and function are either unavailable or do not agree on the potential impact of this missense change (SIFT: "Not Available"; PolyPhen-2: "Probably Damaging"; Align-GVGD: "Not Available"). In summary, the available evidence is currently insufficient to determine the role of this variant in disease. Therefore, it has been classified as a Variant of Uncertain Significance.

NM_032608.7(MYO18B):c.457G>A (p.Val153Met)

Gene: MYO18B (myosin XVIIIB; plus strand). Cytogenetic location: 22q12.1.
Variant type: single nucleotide variant.
Coding change: c.457G>A on transcript NM_032608.7 (MANE Select); coding-DNA position 457, G replaced by A.
Protein change: p.Val153Met; replaces valine 153 with methionine.
Molecular consequence: missense variant.
Genome position (GRCh38, 1-based): chr22:25,768,373, G>A. VCF-style: chr22-25768373-G-A. GRCh37 (hg19) VCF-style: chr22-26164340-G-A.
Other names: c.457G>A, p.Val153Met (NM_001318245.2); short protein forms V153M.
Identifiers: ClinVar variation 2097897 (VCV002097897.4), dbSNP rs571744755, ClinGen allele CA10159594.